The following is an entry in ClinVar:

NM_005198.5(CHKB):c.1113+81G>A

Genes: CHKB (choline kinase beta; minus strand), CHKB-CPT1B (CHKB-CPT1B readthrough (NMD candidate); minus strand). Cytogenetic location: 22q13.33.
Variant type: single nucleotide variant.
Coding change: c.1113+81G>A on transcript NM_005198.5 (MANE Select); 81 bases into the intron after coding-DNA position 1113, G replaced by A.
Molecular consequence: intron variant.
Genome position (GRCh38, 1-based): chr22:50,579,345, C>T on the plus strand (G>A on the coding strand, the complement: CHKB is on the minus strand). VCF-style: chr22-50579345-C-T. GRCh37 (hg19) VCF-style: chr22-51017774-C-T.
Identifiers: ClinVar variation 679814 (VCV000679814.2), dbSNP rs185353265, ClinGen allele CA325536951.
Genomic context (GRCh38, chr22:50,579,345, plus strand): 5'-GTGAGAAGACGTGGGACCAGCATTCTACATCCACCTCAGGCTGCCCACAGCCACCCGGGA[C>T]TCCCCAGGCCTCCTGGAAGAGTGTGGCTGCTGCTGCTCCCCAGCCCCCCAGCTAGCATTC-3'

ClinVar aggregate classification (germline): Likely benign. Review status: criteria provided, multiple submitters, no conflicts (2 of 4 stars). 2 submissions from 2 submitters: Likely benign (2). Last evaluated 2018-06-16.

Allele frequency attached by ClinVar (database versions not stated): gnomAD exomes 0.00053; 1000 Genomes Project 0.00319; 1000 Genomes Project 30x 0.00422; gnomAD 0.00482 and 0.00531; TOPMed 0.00530.
gnomAD v4.1: 1,513 of 1,577,300 alleles (0.096%); highest among the groups gnomAD compares: African/African-American, 1.7%; 7 homozygotes.

Submissions (2):

GeneDx
Classification: Likely benign. Last evaluated: 2018-06-16. Review status: criteria provided, single submitter. Criteria: GeneDx Variant Classification (06012015). Collection method: clinical testing. Allele origin: germline. Affected: yes.
Comment: This variant is considered likely benign or benign based on one or more of the following criteria: it is a conservative change, it occurs at a poorly conserved position in the protein, it is predicted to be benign by multiple in silico algorithms, and/or has population frequency not consistent with disease.

Breakthrough Genomics
Classification: Likely benign. Review status: criteria provided, single submitter. Criteria: ACMG Guidelines, 2015. Collection method: not provided. Allele origin: germline. Inheritance: Autosomal recessive inheritance. Affected: yes.